The following is an entry in ClinVar:

ClinVar aggregate classification (germline): Uncertain significance. Review status: criteria provided, multiple submitters, no conflicts (2 of 4 stars). 2 submissions from 2 submitters: Uncertain significance (2). Last evaluated 2025-03-14.

Conditions:
Inborn genetic diseases. Identifiers: MedGen C0950123, MeSH D030342.

Submissions (2):

GeneDx
Classification: Uncertain significance. Last evaluated: 2025-03-14. Review status: criteria provided, single submitter. Criteria: GeneDx Variant Classification Process June 2021. Collection method: clinical testing. Allele origin: germline. Affected: yes.
Comment: In silico analysis supports that this missense variant has a deleterious effect on protein structure/function; Has not been previously published as pathogenic or benign to our knowledge

Ambry Genetics
Classification: Uncertain significance for Inborn genetic diseases. Last evaluated: 2024-12-10. Review status: criteria provided, single submitter. Criteria: Ambry Variant Classification Scheme 2023. Collection method: clinical testing. Allele origin: germline.

NM_001128228.3(TPRN):c.1388C>T (p.Ser463Leu)

Gene: TPRN (taperin; minus strand). Cytogenetic location: 9q34.3.
Variant type: single nucleotide variant.
Coding change: c.1388C>T on transcript NM_001128228.3 (MANE Select); coding-DNA position 1388, C replaced by T.
Protein change: p.Ser463Leu; replaces serine 463 with leucine.
Molecular consequence: missense variant.
Genome position (GRCh38, 1-based): chr9:137,199,324, G>A on the plus strand (C>T on the coding strand, the complement: TPRN is on the minus strand). VCF-style: chr9-137199324-G-A. GRCh37 (hg19) VCF-style: chr9-140093776-G-A.
Other names: short protein forms S463L.
Identifiers: ClinVar variation 3460577 (VCV003460577.2).